The following is an entry in ClinVar:

ClinVar aggregate classification (germline): Likely benign (0 of 4 stars; one submission).

Conditions:
SOX17-related disorder. Also called: SOX17-related condition.

Allele frequency attached by ClinVar (database versions not stated): gnomAD 0.00002; TOPMed 0.00003.

Submission:

PreventionGenetics, part of Exact Sciences
Classification: Likely benign for SOX17-related condition. Last evaluated: 2022-09-14. Review status: no assertion criteria provided. Collection method: clinical testing. Allele origin: germline.
Comment: This variant is classified as likely benign based on ACMG/AMP sequence variant interpretation guidelines (Richards et al. 2015 PMID: 25741868, with internal and published modifications).

NM_022454.4(SOX17):c.534C>T (p.Gly178=)

Gene: SOX17 (SRY-box transcription factor 17; plus strand). Cytogenetic location: 8q11.23.
Variant type: single nucleotide variant.
Coding change: c.534C>T on transcript NM_022454.4 (MANE Select); coding-DNA position 534, C replaced by T.
Protein change: p.Gly178=; no amino-acid change (glycine 178 retained).
Molecular consequence: synonymous variant.
Genome position (GRCh38, 1-based): chr8:54,459,284, C>T. VCF-style: chr8-54459284-C-T. GRCh37 (hg19) VCF-style: chr8-55371844-C-T.
Identifiers: ClinVar variation 3029347 (VCV003029347.2), dbSNP rs1035913081, ClinGen allele CA177527797.